The following is an entry in ClinVar:

NM_004260.4(RECQL4):c.1936C>A (p.Arg646Ser)

Gene: RECQL4 (RecQ like helicase 4; minus strand). Cytogenetic location: 8q24.3.
Variant type: single nucleotide variant.
Coding change: c.1936C>A on transcript NM_004260.4 (MANE Select); coding-DNA position 1936, C replaced by A.
Protein change: p.Arg646Ser; replaces arginine 646 with serine.
Molecular consequence: missense variant.
Genome position (GRCh38, 1-based): chr8:144,514,050, G>T on the plus strand (C>A on the coding strand, the complement: RECQL4 is on the minus strand). VCF-style: chr8-144514050-G-T. GRCh37 (hg19) VCF-style: chr8-145739434-G-T.
Other names: short protein forms R646S.
Identifiers: ClinVar variation 969836 (VCV000969836.8), dbSNP rs398124116, ClinGen allele CA372680455.

ClinVar aggregate classification (germline): Uncertain significance. Review status: criteria provided, multiple submitters, no conflicts (2 of 4 stars). 2 submissions from 2 submitters: Uncertain significance (2). Last evaluated 2025-10-23.

Conditions:
Baller-Gerold syndrome (BGS). Also called: CRANIOSYNOSTOSIS WITH RADIAL DEFECTS. Identifiers: Orphanet 1225, MedGen C0265308, MONDO:0009039, OMIM 218600.
Inborn genetic diseases. Identifiers: MedGen C0950123, MeSH D030342.

Allele frequency attached by ClinVar (database versions not stated): TOPMed 0.00001.

Submissions (2):

Ambry Genetics
Classification: Uncertain significance for Inborn genetic diseases. Last evaluated: 2025-10-23. Review status: criteria provided, single submitter. Criteria: Ambry Variant Classification Scheme 2023. Collection method: clinical testing. Allele origin: germline.

Labcorp Genetics (formerly Invitae), Labcorp
Classification: Uncertain significance for Baller-Gerold syndrome. Last evaluated: 2024-08-10. Review status: criteria provided, single submitter. Criteria: Invitae Variant Classification Sherloc (09022015). Collection method: clinical testing. Allele origin: germline.
Comment: This sequence change replaces arginine, which is basic and polar, with serine, which is neutral and polar, at codon 646 of the RECQL4 protein (p.Arg646Ser). This variant is not present in population databases (gnomAD no frequency). This variant has not been reported in the literature in individuals affected with RECQL4-related conditions. ClinVar contains an entry for this variant (Variation ID: 969836). Advanced modeling of protein sequence and biophysical properties (such as structural, functional, and spatial information, amino acid conservation, physicochemical variation, residue mobility, and thermodynamic stability) performed at Invitae indicates that this missense variant is not expected to disrupt RECQL4 protein function with a negative predictive value of 80%. In summary, the available evidence is currently insufficient to determine the role of this variant in disease. Therefore, it has been classified as a Variant of Uncertain Significance.